The following is an entry in ClinVar:

ClinVar aggregate classification (germline): Uncertain significance. Review status: criteria provided, multiple submitters, no conflicts (2 of 4 stars). 2 submissions from 2 submitters: Uncertain significance (2). Last evaluated 2024-10-11.

Conditions:
Inborn genetic diseases. Identifiers: MedGen C0950123, MeSH D030342.
Dyskeratosis congenita, autosomal dominant 6 (DKCA6). Identifiers: Orphanet 3322, MedGen C4225284, MONDO:0014690, OMIM 616553.

Allele frequency attached by ClinVar (database versions not stated): gnomAD 0.00001.

Submissions (2):

Ambry Genetics
Classification: Uncertain significance for Inborn genetic diseases. Last evaluated: 2024-10-11. Review status: criteria provided, single submitter. Criteria: Ambry Variant Classification Scheme 2023. Collection method: clinical testing. Allele origin: germline.
Comment: The p.V45L variant (also known as c.133G>T), located in coding exon 1 of the ACD gene, results from a G to T substitution at nucleotide position 133. The valine at codon 45 is replaced by leucine, an amino acid with highly similar properties. This amino acid position is conserved. In addition, this alteration is predicted to be tolerated by in silico analysis. Based on the available evidence, the clinical significance of this variant remains unclear.

Labcorp Genetics (formerly Invitae), Labcorp
Classification: Uncertain significance for Dyskeratosis congenita, autosomal dominant 6. Last evaluated: 2022-07-26. Review status: criteria provided, single submitter. Criteria: Invitae Variant Classification Sherloc (09022015). Collection method: clinical testing. Allele origin: germline.
Comment: In summary, the available evidence is currently insufficient to determine the role of this variant in disease. Therefore, it has been classified as a Variant of Uncertain Significance. Algorithms developed to predict the effect of missense changes on protein structure and function (SIFT, PolyPhen-2, Align-GVGD) all suggest that this variant is likely to be tolerated. This variant has not been reported in the literature in individuals affected with ACD-related conditions. This variant is not present in population databases (gnomAD no frequency). This sequence change replaces valine, which is neutral and non-polar, with leucine, which is neutral and non-polar, at codon 45 of the ACD protein (p.Val45Leu).

NC_000016.10:g.67660346C>A

Genes: ACD (ACD shelterin complex subunit and telomerase recruitment factor; minus strand), LOC130059224 (ATAC-STARR-seq lymphoblastoid silent region 7617; plus strand). Cytogenetic location: 16q22.1.
Variant type: single nucleotide variant.
Genome position: GRCh38 VCF-style: chr16-67660346-C-A. GRCh37 (hg19) VCF-style: chr16-67694249-C-A.
Other names: short protein forms V45L.
Identifiers: ClinVar variation 2183959 (VCV002183959.4), dbSNP rs944733130, ClinGen allele CA283218845.